The following is an entry in ClinVar:

ClinVar aggregate classification (germline): Uncertain significance (1 of 4 stars; one submission).

Conditions:
Familial adenomatous polyposis 1 (FAP1). Also called: FAMILIAL ADENOMATOUS POLYPOSIS 1, ATTENUATED; POLYPOSIS, ADENOMATOUS INTESTINAL. Identifiers: MedGen C2713442, MONDO:0021056, OMIM 175100. Disease mechanism: loss of function.

Allele frequency attached by ClinVar (database versions not stated): gnomAD exomes below 0.00001; TOPMed below 0.00001; gnomAD 0.00001.
gnomAD v4.1: 2 of 1,370,538 alleles (0.00015%); highest among the groups gnomAD compares: East Asian, 0.0068%; no homozygotes.

Submission:

Labcorp Genetics (formerly Invitae), Labcorp
Classification: Uncertain significance for Familial adenomatous polyposis 1. Last evaluated: 2023-11-15. Review status: criteria provided, single submitter. Criteria: Invitae Variant Classification Sherloc (09022015). Collection method: clinical testing. Allele origin: germline.
Comment: This variant occurs in a non-coding region of the APC gene. It does not change the encoded amino acid sequence of the APC protein. This variant is present in population databases (no rsID available, gnomAD 0.06%). This variant has not been reported in the literature in individuals affected with APC-related conditions. Experimental studies and prediction algorithms are not available or were not evaluated, and the functional significance of this variant is currently unknown. In summary, the available evidence is currently insufficient to determine the role of this variant in disease. Therefore, it has been classified as a Variant of Uncertain Significance.

NM_001127511.3(APC):c.93G>T (p.Arg31Ser)

Gene: APC (APC regulator of Wnt signaling pathway; plus strand). Cytogenetic location: 5q22.2.
Variant type: single nucleotide variant.
Coding change: c.93G>T on transcript NM_001127511.3; coding-DNA position 93, G replaced by T.
Protein change: p.Arg31Ser; replaces arginine 31 with serine.
Molecular consequence: missense variant. On other transcripts: 5 prime UTR variant (8), non-coding transcript variant (1), intron variant (5).
Genome position (GRCh38, 1-based): chr5:112,707,810, G>T. VCF-style: chr5-112707810-G-T. GRCh37 (hg19) VCF-style: chr5-112043507-G-T.
Other names: c.-91G>T (NM_001354895.2, NM_001407447.1, NM_001407452.1 and 3 more transcripts); c.93G>T, p.Arg31Ser (NM_001354897.2, NM_001354902.2, NM_001407446.1); c.-1126G>T (NM_001407470.1, NM_001407472.1); c.-19+161G>T (NM_001407448.1, NM_001407450.1, NM_001407457.1 and 1 more transcripts); c.-43+161G>T (NM_001407453.1); short protein forms R31S.
Identifiers: ClinVar variation 1469021 (VCV001469021.6), dbSNP rs1242659289, ClinGen allele CA360611950.
Genomic context (GRCh38, chr5:112,707,810, plus strand): 5'-CCCTTTGCCCGCTTCTGTACCACCCTCAGTTCTCGGGTCCTGGAGCACCGGCGGCAGCAG[G>T]AGCTGCGTCCGGCAGGAGACGAAGAGCCCGGGCGGCGCTCGTACTTCTGGCCACTGGGCG-3'